The following is an entry in ClinVar:

NM_022124.6(CDH23):c.5432G>A (p.Arg1811Gln)

Gene: CDH23 (cadherin related 23; plus strand). Cytogenetic location: 10q22.1.
Variant type: single nucleotide variant.
Coding change: c.5432G>A on transcript NM_022124.6 (MANE Select); coding-DNA position 5432, G replaced by A.
Protein change: p.Arg1811Gln; replaces arginine 1811 with glutamine.
Molecular consequence: missense variant.
Genome position (GRCh38, 1-based): chr10:71,784,350, G>A. VCF-style: chr10-71784350-G-A. GRCh37 (hg19) VCF-style: chr10-73544107-G-A.
Other names: c.5432G>A (NM_022124.5); short protein forms R1811Q.
Identifiers: ClinVar variation 1403804 (VCV001403804.6), dbSNP rs776972162, ClinGen allele CA5545751.

ClinVar aggregate classification (germline): Uncertain significance. Review status: criteria provided, multiple submitters, no conflicts (2 of 4 stars). 4 submissions from 4 submitters: Uncertain significance (4). Last evaluated 2026-02-10.

Conditions:
Inborn genetic diseases. Identifiers: MedGen C0950123, MeSH D030342.
CDH23-related disorder. Also called: CDH23-related condition; CDH23-related disorders.

Allele frequency attached by ClinVar (database versions not stated): gnomAD 0.00001; ExAC 0.00004; TOPMed 0.00004; gnomAD exomes 0.00006.
gnomAD v4.1: 26 of 1,613,776 alleles (0.0016%); highest among the groups gnomAD compares: Middle Eastern, 0.033%; no homozygotes.

Submissions (4):

PreventionGenetics, part of Exact Sciences
Classification: Uncertain significance for CDH23-related condition. Last evaluated: 2026-02-10. Review status: criteria provided, single submitter. Criteria: ACMG Guidelines, 2015. Collection method: clinical testing. Allele origin: germline.
Comment: The CDH23 c.5432G>A variant is predicted to result in the amino acid substitution p.Arg1811Gln. To our knowledge, this variant has not been reported in the literature. This variant is reported in 0.029% of alleles in individuals of Latino descent in gnomAD. At this time, the clinical significance of this variant is uncertain due to the absence of conclusive functional and genetic evidence.

Labcorp Genetics (formerly Invitae), Labcorp
Classification: Uncertain significance. Last evaluated: 2022-06-20. Review status: criteria provided, single submitter. Criteria: Invitae Variant Classification Sherloc (09022015). Collection method: clinical testing. Allele origin: germline.
Comment: This sequence change replaces arginine, which is basic and polar, with glutamine, which is neutral and polar, at codon 1811 of the CDH23 protein (p.Arg1811Gln). This variant is present in population databases (rs776972162, gnomAD 0.02%). This variant has not been reported in the literature in individuals affected with CDH23-related conditions. Algorithms developed to predict the effect of missense changes on protein structure and function are either unavailable or do not agree on the potential impact of this missense change (SIFT: "Deleterious"; PolyPhen-2: "Not Available"; Align-GVGD: "Class C0"). In summary, the available evidence is currently insufficient to determine the role of this variant in disease. Therefore, it has been classified as a Variant of Uncertain Significance.

Blueprint Genetics
Classification: Uncertain significance. Last evaluated: 2022-06-16. Review status: criteria provided, single submitter. Criteria: ACMG Guidelines, 2015. Collection method: clinical testing. Allele origin: germline.

Ambry Genetics
Classification: Uncertain significance for Inborn genetic diseases. Last evaluated: 2021-07-09. Review status: criteria provided, single submitter. Criteria: Ambry Variant Classification Scheme 2023. Collection method: clinical testing. Allele origin: germline.